The following is an entry in ClinVar:

NM_003924.4(PHOX2B):c.860T>G (p.Leu287Arg)

Gene: PHOX2B (paired like homeobox 2B; minus strand). Cytogenetic location: 4p13.
Variant type: single nucleotide variant.
Coding change: c.860T>G on transcript NM_003924.4 (MANE Select); coding-DNA position 860, T replaced by G.
Protein change: p.Leu287Arg; replaces leucine 287 with arginine.
Molecular consequence: missense variant.
Genome position (GRCh38, 1-based): chr4:41,745,892, A>C on the plus strand (T>G on the coding strand, the complement: PHOX2B is on the minus strand). VCF-style: chr4-41745892-A-C. GRCh37 (hg19) VCF-style: chr4-41747909-A-C.
Other names: short protein forms L287R.
Identifiers: ClinVar variation 1764039 (VCV001764039.6), dbSNP rs775478414, ClinGen allele CA356736955.
Genomic context (GRCh38, chr4:41,745,892, plus strand): 5'-GCGGCTTTGGCACCGTTGGGTCTTTGGAGCGAAGATAGGACGCTGGCGAAGGGACCCCCA[A>C]GCGAATCCGGGATGGAGGTGATGGGGCCGGGGCCGGGAGCCCAGCCTTGTCCAGGGCCCC-3'
Protein context (NP_003915.2, residues 277-297): PGPITSIPDS[Leu287Arg]GGPFASVLSS

ClinVar aggregate classification (germline): Uncertain significance. Review status: criteria provided, multiple submitters, no conflicts (2 of 4 stars). 2 submissions from 2 submitters: Uncertain significance (2). Last evaluated 2023-08-23.

Conditions:
Hereditary cancer-predisposing syndrome. Also called: Neoplastic Syndromes, Hereditary; Tumor predisposition; Hereditary Cancer Syndrome; Hereditary neoplastic syndrome. Identifiers: Orphanet 140162, MedGen C0027672, MeSH D009386, MONDO:0015356.
Haddad syndrome (OHD). Also called: Ondine-Hirschsprung disease. Identifiers: Orphanet 99803, MedGen C1859049, MONDO:0020493.

Submissions (2):

Labcorp Genetics (formerly Invitae), Labcorp
Classification: Uncertain significance for Haddad syndrome. Last evaluated: 2023-08-23. Review status: criteria provided, single submitter. Criteria: Invitae Variant Classification Sherloc (09022015). Collection method: clinical testing. Allele origin: germline.
Comment: This sequence change replaces leucine, which is neutral and non-polar, with arginine, which is basic and polar, at codon 287 of the PHOX2B protein (p.Leu287Arg). This variant is not present in population databases (gnomAD no frequency). This variant has not been reported in the literature in individuals affected with PHOX2B-related conditions. ClinVar contains an entry for this variant (Variation ID: 1764039). Experimental studies and prediction algorithms are not available or were not evaluated, and the functional significance of this variant is currently unknown. In summary, the available evidence is currently insufficient to determine the role of this variant in disease. Therefore, it has been classified as a Variant of Uncertain Significance.

Ambry Genetics
Classification: Uncertain significance for Hereditary cancer-predisposing syndrome. Last evaluated: 2022-12-01. Review status: criteria provided, single submitter. Criteria: Ambry Variant Classification Scheme 2023. Collection method: clinical testing. Allele origin: germline.
Comment: The p.L287R variant (also known as c.860T>G), located in coding exon 3 of the PHOX2B gene, results from a T to G substitution at nucleotide position 860. The leucine at codon 287 is replaced by arginine, an amino acid with dissimilar properties. This amino acid position is highly conserved in available vertebrate species. In addition, this alteration is predicted to be deleterious by in silico analysis. Since supporting evidence is limited at this time, the clinical significance of this alteration remains unclear.